The following is an entry in ClinVar:

NM_007294.4(BRCA1):c.4676-1011G>A

Gene: BRCA1 (BRCA1 DNA repair associated; minus strand). Cytogenetic location: 17q21.31.
Variant type: single nucleotide variant.
Coding change: c.4676-1011G>A on transcript NM_007294.4 (MANE Select); 1011 bases into the intron before coding-DNA position 4676, G replaced by A.
Molecular consequence: intron variant.
Genome position (GRCh38, 1-based): chr17:43,072,249, C>T on the plus strand (G>A on the coding strand, the complement: BRCA1 is on the minus strand). VCF-style: chr17-43072249-C-T. GRCh37 (hg19) VCF-style: chr17-41224266-C-T.
Other names: IVS 15-1011G>A; c.1103-1011G>A (NM_001408500.1, NM_001408497.1, NM_001408496.1 and 3 more transcripts); c.4412-1011G>A (NM_001407921.1, NM_001407926.1, NM_001407924.1 and 4 more transcripts); c.1223-1011G>A (NM_001408466.1, NM_001408460.1, NM_001408465.1 and 7 more transcripts); c.1226-1011G>A (NM_001408452.1, NM_001408457.1, NM_001408454.1 and 3 more transcripts); c.4529-1011G>A (NM_001407850.1, NM_001407844.1, NM_001407851.1 and 12 more transcripts); c.4532-1011G>A (NM_001407752.1, NM_001407944.1, NM_001407734.1 and 21 more transcripts); c.4535-1011G>A (NM_001407730.1, NM_001407692.1, NM_001407729.1 and 13 more transcripts); and 72 more.
Identifiers: ClinVar variation 209361 (VCV000209361.2), dbSNP rs183687995, ClinGen allele CA276333.

ClinVar aggregate classification (germline): Benign (3 of 4 stars; one submission).

Conditions:
Breast-ovarian cancer, familial, susceptibility to, 1 (BROVCA1). Also called: BRCA1 Hereditary Breast and Ovarian Cancer; OVARIAN CANCER, SUSCEPTIBILITY TO. Identifiers: Orphanet 145, MedGen C2676676, MONDO:0011450, OMIM 604370. Disease mechanism: loss of function.

Allele frequency attached by ClinVar (database versions not stated): 1000 Genomes Project 0.00260; TOPMed 0.00280; 1000 Genomes Project 30x 0.00297.
gnomAD v4.1: 340 of 151,498 alleles (0.22%); highest among the groups gnomAD compares: African/African-American, 0.72%; 7 homozygotes.

Submission:

Evidence-based Network for the Interpretation of Germline Mutant Alleles (ENIGMA)
Classification: Benign for Breast-ovarian cancer, familial 1. Last evaluated: 2015-01-12. Review status: reviewed by expert panel. Criteria: ENIGMA BRCA1/2 Classification Criteria (2015). Collection method: curation. Allele origin: germline.
Comment: Class 1 not pathogenic based on frequency >1% in an outbred sampleset. Frequency 0.02846 (African), derived from 1000 genomes (2012-04-30).